The following is an entry in ClinVar:

ClinVar aggregate classification (germline): Uncertain significance (1 of 4 stars; one submission).

Conditions:
Amyotrophic lateral sclerosis type 1 (ALS1). Also called: AMYOTROPHIC LATERAL SCLEROSIS 1, FAMILIAL. Identifiers: Orphanet 803, MedGen C1862939, MONDO:0007103, OMIM 105400.
Perry syndrome. Also called: PARKINSONISM WITH ALVEOLAR HYPOVENTILATION AND MENTAL DEPRESSION. Identifiers: Orphanet 178509, MedGen C1868594, MONDO:0008201, OMIM 168605.
Neuronopathy, distal hereditary motor, type 7B. Also called: NEURONOPATHY, DISTAL HEREDITARY MOTOR, AUTOSOMAL DOMINANT 14; NEURONOPATHY, DISTAL HEREDITARY MOTOR, HARDING TYPE VIIB; NEUROPATHY, DISTAL HEREDITARY MOTOR, HARDING TYPE VIIB; NEUROPATHY, DISTAL HEREDITARY MOTOR, WITH VOCAL CORD PARALYSIS, HARDING TYPE VIIB; HMN VIIB; LOWER MOTOR NEURON DISEASE, DYNACTIN TYPE. Identifiers: Orphanet 139589, MedGen C1843315, MONDO:0011879, OMIM 607641.

Submission:

Labcorp Genetics (formerly Invitae), Labcorp
Classification: Uncertain significance for Amyotrophic lateral sclerosis type 1; Neuronopathy, distal hereditary motor, type 7B; Perry syndrome. Last evaluated: 2022-09-23. Review status: criteria provided, single submitter. Criteria: Invitae Variant Classification Sherloc (09022015). Collection method: clinical testing. Allele origin: germline.
Comment: This sequence change replaces glycine, which is neutral and non-polar, with valine, which is neutral and non-polar, at codon 644 of the DCTN1 protein (p.Gly644Val). This variant is not present in population databases (gnomAD no frequency). This variant has not been reported in the literature in individuals affected with DCTN1-related conditions. Algorithms developed to predict the effect of missense changes on protein structure and function (SIFT, PolyPhen-2, Align-GVGD) all suggest that this variant is likely to be disruptive. In summary, the available evidence is currently insufficient to determine the role of this variant in disease. Therefore, it has been classified as a Variant of Uncertain Significance.

NM_004082.5(DCTN1):c.1931G>T (p.Gly644Val)

Gene: DCTN1 (dynactin subunit 1; minus strand). Cytogenetic location: 2p13.1.
Variant type: single nucleotide variant.
Coding change: c.1931G>T on transcript NM_004082.5 (MANE Select); coding-DNA position 1931, G replaced by T.
Protein change: p.Gly644Val; replaces glycine 644 with valine.
Molecular consequence: missense variant. On other transcripts: non-coding transcript variant (1).
Genome position (GRCh38, 1-based): chr2:74,368,055, C>A on the plus strand (G>T on the coding strand, the complement: DCTN1 is on the minus strand). VCF-style: chr2-74368055-C-A. GRCh37 (hg19) VCF-style: chr2-74595182-C-A.
Other names: c.1871G>T, p.Gly624Val (NM_001135040.3); c.1529G>T, p.Gly510Val (NM_001135041.3, NM_023019.4); c.1820G>T, p.Gly607Val (NM_001190836.2); c.1910G>T, p.Gly637Val (NM_001190837.2); c.1880G>T, p.Gly627Val (NM_001378991.1); c.1862G>T, p.Gly621Val (NM_001378992.1); short protein forms G510V, G607V, G621V, G624V, G627V, G637V, G644V.
Identifiers: ClinVar variation 1720161 (VCV001720161.6), dbSNP rs2529130842, ClinGen allele CA347352272.